The following is an entry in ClinVar:

NM_001126108.2(SLC12A3):c.1520G>A (p.Arg507His)

Gene: SLC12A3 (solute carrier family 12 member 3; plus strand). Cytogenetic location: 16q13.
Variant type: single nucleotide variant.
Coding change: c.1520G>A on transcript NM_001126108.2 (MANE Select); coding-DNA position 1520, G replaced by A.
Protein change: p.Arg507His; replaces arginine 507 with histidine.
Molecular consequence: missense variant.
Genome position (GRCh38, 1-based): chr16:56,880,206, G>A. VCF-style: chr16-56880206-G-A. GRCh37 (hg19) VCF-style: chr16-56914118-G-A.
Other names: c.1520G>A, p.Arg507His (NM_000339.3); c.1517G>A, p.Arg506His (NM_001126107.2, NM_001410896.1); short protein forms R506H, R507H.
Identifiers: ClinVar variation 2043574 (VCV002043574.1), dbSNP rs147864812, ClinGen allele CA8069506.

ClinVar aggregate classification (germline): Uncertain significance (1 of 4 stars; one submission).

Allele frequency attached by ClinVar (database versions not stated): gnomAD 0.00003; gnomAD exomes 0.00003; TOPMed 0.00006; ESP Exome Variant Server 0.00008; ExAC 0.00022.
gnomAD v4.1: 46 of 1,594,106 alleles (0.0029%); highest among the groups gnomAD compares: Admixed American, 0.061%; no homozygotes.

Submission:

Labcorp Genetics (formerly Invitae), Labcorp
Classification: Uncertain significance. Last evaluated: 2022-07-15. Review status: criteria provided, single submitter. Criteria: Invitae Variant Classification Sherloc (09022015). Collection method: clinical testing. Allele origin: germline.
Comment: This sequence change replaces arginine, which is basic and polar, with histidine, which is basic and polar, at codon 507 of the SLC12A3 protein (p.Arg507His). This variant is present in population databases (rs147864812, gnomAD 0.09%). This variant has not been reported in the literature in individuals affected with SLC12A3-related conditions. Advanced modeling of protein sequence and biophysical properties (such as structural, functional, and spatial information, amino acid conservation, physicochemical variation, residue mobility, and thermodynamic stability) performed at Invitae indicates that this missense variant is expected to disrupt SLC12A3 protein function. In summary, the available evidence is currently insufficient to determine the role of this variant in disease. Therefore, it has been classified as a Variant of Uncertain Significance.